The following is an entry in ClinVar:

NM_012210.4(TRIM32):c.524A>G (p.Lys175Arg)

Genes: ASTN2 (astrotactin 2; minus strand), TRIM32 (tripartite motif containing 32; plus strand). Cytogenetic location: 9q33.1.
Variant type: single nucleotide variant.
Coding change: c.524A>G on transcript NM_012210.4 (MANE Select); coding-DNA position 524, A replaced by G.
Protein change: p.Lys175Arg; replaces lysine 175 with arginine.
Molecular consequence: missense variant. On other transcripts: intron variant (3).
Genome position (GRCh38, 1-based): chr9:116,698,266, A>G. VCF-style: chr9-116698266-A-G. GRCh37 (hg19) VCF-style: chr9-119460545-A-G.
Other names: c.524A>G, p.Lys175Arg (NM_001099679.2, NM_001379048.1, NM_001379049.1 and 1 more transcripts); c.2653+27505T>C (NM_014010.5); c.2794+27505T>C (NM_001365069.1); c.2806+27505T>C (NM_001365068.1); short protein forms K175R.
Identifiers: ClinVar variation 285831 (VCV000285831.13), dbSNP rs777911858, ClinGen allele CA5210999.

ClinVar aggregate classification (germline): Uncertain significance. Review status: criteria provided, multiple submitters, no conflicts (2 of 4 stars). 4 submissions from 4 submitters: Uncertain significance (4). Last evaluated 2022-11-22.

Conditions:
Bardet-Biedl syndrome 11 (BBS11). Identifiers: Orphanet 110, MedGen C1859569, MONDO:0014439, OMIM 615988.
Sarcotubular myopathy (LGMDR8). Also called: Limb-girdle muscular dystrophy, type 2H; Autosomal recessive limb-girdle muscular dystrophy type 2H; MUSCULAR DYSTROPHY, LIMB-GIRDLE, AUTOSOMAL RECESSIVE 8; Hutterite type of muscular dystrophy. Identifiers: Orphanet 1878, MedGen C0270968, MONDO:0009683, OMIM 254110.
Bardet-Biedl syndrome (BBS). Identifiers: Orphanet 110, MedGen C0752166, MONDO:0015229.

Allele frequency attached by ClinVar (database versions not stated): ExAC 0.00001; gnomAD exomes 0.00001; TOPMed 0.00002; gnomAD 0.00006.
gnomAD v4.1: 15 of 1,614,062 alleles (0.00093%); highest among the groups gnomAD compares: South Asian, 0.0022%; no homozygotes.

Submissions (4):

Labcorp Genetics (formerly Invitae), Labcorp
Classification: Uncertain significance for Bardet-Biedl syndrome. Last evaluated: 2022-11-22. Review status: criteria provided, single submitter. Criteria: Invitae Variant Classification Sherloc (09022015). Collection method: clinical testing. Allele origin: germline.
Comment: In summary, the available evidence is currently insufficient to determine the role of this variant in disease. Therefore, it has been classified as a Variant of Uncertain Significance. This variant has not been reported in the literature in individuals affected with TRIM32-related conditions. This variant is present in population databases (rs777911858, gnomAD 0.003%). This sequence change replaces lysine, which is basic and polar, with arginine, which is basic and polar, at codon 175 of the TRIM32 protein (p.Lys175Arg). ClinVar contains an entry for this variant (Variation ID: 285831). Algorithms developed to predict the effect of missense changes on protein structure and function output the following: SIFT: "Tolerated"; PolyPhen-2: "Benign"; Align-GVGD: "Class C0". The arginine amino acid residue is found in multiple mammalian species, which suggests that this missense change does not adversely affect protein function.

Fulgent Genetics
Classification: Uncertain significance for Sarcotubular myopathy; Bardet-Biedl syndrome 11. Last evaluated: 2021-11-10. Review status: criteria provided, single submitter. Criteria: ACMG Guidelines, 2015. Collection method: clinical testing. Allele origin: unknown.

Blueprint Genetics
Classification: Uncertain significance. Last evaluated: 2021-11-03. Review status: criteria provided, single submitter. Criteria: ACMG Guidelines, 2015. Collection method: clinical testing. Allele origin: germline.

Eurofins Ntd Llc (ga)
Classification: Uncertain significance. Last evaluated: 2016-01-25. Review status: criteria provided, single submitter. Criteria: EGL Classification Definitions 2015. Collection method: clinical testing. Allele origin: germline. Observed: 1 variant allele, 1 heterozygote.